The following continues an entry in ClinVar:

NM_016008.4(DYNC2LI1):c.732-5C>T

Gene: DYNC2LI1. ClinVar aggregate classification (germline): Benign. Benign (2).

Submissions 33 to 65 of 65:

Dr. Peter K. Rogan Lab, Western University
No classification provided (evidence only). Condition: Uterine corpus endometrial carcinoma. Review status: no classification provided. Collection method: in vitro. Allele origin: not applicable. Functional consequence: retained intron. Not counted in ClinVar's aggregate classification.

Dr. Peter K. Rogan Lab, Western University
No classification provided (evidence only). Condition: Cervical cancer. Review status: no classification provided. Collection method: in vitro. Allele origin: not applicable. Functional consequence: retained intron. Not counted in ClinVar's aggregate classification.

Dr. Peter K. Rogan Lab, Western University
No classification provided (evidence only). Condition: Cervical cancer. Review status: no classification provided. Collection method: in vitro. Allele origin: not applicable. Functional consequence: retained intron. Not counted in ClinVar's aggregate classification.

Dr. Peter K. Rogan Lab, Western University
No classification provided (evidence only). Condition: Cervical cancer. Review status: no classification provided. Collection method: in vitro. Allele origin: not applicable. Functional consequence: retained intron. Not counted in ClinVar's aggregate classification.

Dr. Peter K. Rogan Lab, Western University
No classification provided (evidence only). Condition: Cervical cancer. Review status: no classification provided. Collection method: in vitro. Allele origin: not applicable. Functional consequence: retained intron. Not counted in ClinVar's aggregate classification.

Dr. Peter K. Rogan Lab, Western University
No classification provided (evidence only). Condition: Cervical cancer. Review status: no classification provided. Collection method: in vitro. Allele origin: not applicable. Functional consequence: retained intron. Not counted in ClinVar's aggregate classification.

Dr. Peter K. Rogan Lab, Western University
No classification provided (evidence only). Condition: Sarcoma. Review status: no classification provided. Collection method: in vitro. Allele origin: not applicable. Functional consequence: retained intron. Not counted in ClinVar's aggregate classification.

Dr. Peter K. Rogan Lab, Western University
No classification provided (evidence only). Condition: Sarcoma. Review status: no classification provided. Collection method: in vitro. Allele origin: not applicable. Functional consequence: retained intron. Not counted in ClinVar's aggregate classification.

Dr. Peter K. Rogan Lab, Western University
No classification provided (evidence only). Condition: Sarcoma. Review status: no classification provided. Collection method: in vitro. Allele origin: not applicable. Functional consequence: retained intron. Not counted in ClinVar's aggregate classification.

Dr. Peter K. Rogan Lab, Western University
No classification provided (evidence only). Condition: Sarcoma. Review status: no classification provided. Collection method: in vitro. Allele origin: not applicable. Functional consequence: retained intron. Not counted in ClinVar's aggregate classification.

Dr. Peter K. Rogan Lab, Western University
No classification provided (evidence only). Condition: Sarcoma. Review status: no classification provided. Collection method: in vitro. Allele origin: not applicable. Functional consequence: retained intron. Not counted in ClinVar's aggregate classification.

Dr. Peter K. Rogan Lab, Western University
No classification provided (evidence only). Condition: Sarcoma. Review status: no classification provided. Collection method: in vitro. Allele origin: not applicable. Functional consequence: retained intron. Not counted in ClinVar's aggregate classification.

Dr. Peter K. Rogan Lab, Western University
No classification provided (evidence only). Condition: Nonpapillary renal cell carcinoma. Review status: no classification provided. Collection method: in vitro. Allele origin: not applicable. Functional consequence: retained intron. Not counted in ClinVar's aggregate classification.

Dr. Peter K. Rogan Lab, Western University
No classification provided (evidence only). Condition: Nonpapillary renal cell carcinoma. Review status: no classification provided. Collection method: in vitro. Allele origin: not applicable. Functional consequence: retained intron. Not counted in ClinVar's aggregate classification.

Dr. Peter K. Rogan Lab, Western University
No classification provided (evidence only). Condition: Nonpapillary renal cell carcinoma. Review status: no classification provided. Collection method: in vitro. Allele origin: not applicable. Functional consequence: retained intron. Not counted in ClinVar's aggregate classification.

Dr. Peter K. Rogan Lab, Western University
No classification provided (evidence only). Condition: Nonpapillary renal cell carcinoma. Review status: no classification provided. Collection method: in vitro. Allele origin: not applicable. Functional consequence: retained intron. Not counted in ClinVar's aggregate classification.

Dr. Peter K. Rogan Lab, Western University
No classification provided (evidence only). Condition: Thymoma. Review status: no classification provided. Collection method: in vitro. Allele origin: not applicable. Functional consequence: retained intron. Not counted in ClinVar's aggregate classification.

Dr. Peter K. Rogan Lab, Western University
No classification provided (evidence only). Condition: Thymoma. Review status: no classification provided. Collection method: in vitro. Allele origin: not applicable. Functional consequence: retained intron. Not counted in ClinVar's aggregate classification.

Dr. Peter K. Rogan Lab, Western University
No classification provided (evidence only). Condition: Gastric cancer. Review status: no classification provided. Collection method: in vitro. Allele origin: not applicable. Functional consequence: retained intron. Not counted in ClinVar's aggregate classification.

Dr. Peter K. Rogan Lab, Western University
No classification provided (evidence only). Condition: Gastric cancer. Review status: no classification provided. Collection method: in vitro. Allele origin: not applicable. Functional consequence: retained intron. Not counted in ClinVar's aggregate classification.

Dr. Peter K. Rogan Lab, Western University
No classification provided (evidence only). Condition: Gastric cancer. Review status: no classification provided. Collection method: in vitro. Allele origin: not applicable. Functional consequence: retained intron. Not counted in ClinVar's aggregate classification.

Dr. Peter K. Rogan Lab, Western University
No classification provided (evidence only). Condition: Gastric cancer. Review status: no classification provided. Collection method: in vitro. Allele origin: not applicable. Functional consequence: retained intron. Not counted in ClinVar's aggregate classification.

Dr. Peter K. Rogan Lab, Western University
No classification provided (evidence only). Condition: Gastric cancer. Review status: no classification provided. Collection method: in vitro. Allele origin: not applicable. Functional consequence: retained intron. Not counted in ClinVar's aggregate classification.

Dr. Peter K. Rogan Lab, Western University
No classification provided (evidence only). Condition: Gastric cancer. Review status: no classification provided. Collection method: in vitro. Allele origin: not applicable. Functional consequence: retained intron. Not counted in ClinVar's aggregate classification.

Dr. Peter K. Rogan Lab, Western University
No classification provided (evidence only). Condition: Adrenocortical carcinoma, hereditary. Review status: no classification provided. Collection method: in vitro. Allele origin: not applicable. Functional consequence: retained intron. Not counted in ClinVar's aggregate classification.

Dr. Peter K. Rogan Lab, Western University
No classification provided (evidence only). Condition: Uterine carcinosarcoma. Review status: no classification provided. Collection method: in vitro. Allele origin: not applicable. Functional consequence: retained intron. Not counted in ClinVar's aggregate classification.

Dr. Peter K. Rogan Lab, Western University
No classification provided (evidence only). Condition: Uveal melanoma. Review status: no classification provided. Collection method: in vitro. Allele origin: not applicable. Functional consequence: retained intron. Not counted in ClinVar's aggregate classification.

Dr. Peter K. Rogan Lab, Western University
No classification provided (evidence only). Condition: Uveal melanoma. Review status: no classification provided. Collection method: in vitro. Allele origin: not applicable. Functional consequence: retained intron. Not counted in ClinVar's aggregate classification.

Dr. Peter K. Rogan Lab, Western University
No classification provided (evidence only). Condition: Uveal melanoma. Review status: no classification provided. Collection method: in vitro. Allele origin: not applicable. Functional consequence: retained intron. Not counted in ClinVar's aggregate classification.

Dr. Peter K. Rogan Lab, Western University
No classification provided (evidence only). Condition: Malignant tumor of esophagus. Review status: no classification provided. Collection method: in vitro. Allele origin: not applicable. Functional consequence: retained intron. Not counted in ClinVar's aggregate classification.

Dr. Peter K. Rogan Lab, Western University
No classification provided (evidence only). Condition: Malignant tumor of esophagus. Review status: no classification provided. Collection method: in vitro. Allele origin: not applicable. Functional consequence: retained intron. Not counted in ClinVar's aggregate classification.

Dr. Peter K. Rogan Lab, Western University
No classification provided (evidence only). Condition: Malignant tumor of esophagus. Review status: no classification provided. Collection method: in vitro. Allele origin: not applicable. Functional consequence: retained intron. Not counted in ClinVar's aggregate classification.

Dr. Peter K. Rogan Lab, Western University
No classification provided (evidence only). Condition: Malignant tumor of esophagus. Review status: no classification provided. Collection method: in vitro. Allele origin: not applicable. Functional consequence: retained intron. Not counted in ClinVar's aggregate classification.